The following is an entry in ClinVar:

ClinVar aggregate classification (germline): Uncertain significance. Review status: criteria provided, multiple submitters, no conflicts (2 of 4 stars). 2 submissions from 2 submitters: Uncertain significance (2). Last evaluated 2025-12-15.

Conditions:
Fucosidosis. Also called: ALPHA-L-FUCOSIDASE DEFICIENCY. Identifiers: Orphanet 349, MedGen C0016788, MONDO:0009254, OMIM 230000.
Inborn genetic diseases. Identifiers: MedGen C0950123, MeSH D030342.

Allele frequency attached by ClinVar (database versions not stated): gnomAD exomes 0.00001; ExAC 0.00002; TOPMed 0.00002; gnomAD 0.00003.
gnomAD v4.1: 13 of 1,614,078 alleles (0.00081%); highest among the groups gnomAD compares: African/African-American, 0.0027%; no homozygotes.

Submissions (2):

Ambry Genetics
Classification: Uncertain significance for Inborn genetic diseases. Last evaluated: 2025-12-15. Review status: criteria provided, single submitter. Criteria: Ambry Variant Classification Scheme 2023. Collection method: clinical testing. Allele origin: germline.

Labcorp Genetics (formerly Invitae), Labcorp
Classification: Uncertain significance for Fucosidosis. Last evaluated: 2021-08-27. Review status: criteria provided, single submitter. Criteria: Invitae Variant Classification Sherloc (09022015). Collection method: clinical testing. Allele origin: germline.
Comment: This sequence change replaces leucine with phenylalanine at codon 164 of the FUCA1 protein (p.Leu164Phe). The leucine residue is moderately conserved and there is a small physicochemical difference between leucine and phenylalanine. This variant is present in population databases (rs754110650, ExAC 0.02%). This variant has not been reported in the literature in individuals affected with FUCA1-related conditions. Algorithms developed to predict the effect of missense changes on protein structure and function are either unavailable or do not agree on the potential impact of this missense change (SIFT: "Deleterious"; PolyPhen-2: "Probably Damaging"; Align-GVGD: "Class C0"). In summary, the available evidence is currently insufficient to determine the role of this variant in disease. Therefore, it has been classified as a Variant of Uncertain Significance.

NM_000147.5(FUCA1):c.492G>C (p.Leu164Phe)

Genes: FUCA1 (alpha-L-fucosidase 1; minus strand), LOC126805661 (BRD4-independent group 4 enhancer GRCh37_chr1:24191742-24192941; plus strand). Cytogenetic location: 1p36.11.
Variant type: single nucleotide variant.
Coding change: c.492G>C on transcript NM_000147.5 (MANE Select); coding-DNA position 492, G replaced by C.
Protein change: p.Leu164Phe; replaces leucine 164 with phenylalanine.
Molecular consequence: missense variant.
Genome position (GRCh38, 1-based): chr1:23,865,523, C>G on the plus strand (G>C on the coding strand, the complement: FUCA1 is on the minus strand). VCF-style: chr1-23865523-C-G. GRCh37 (hg19) VCF-style: chr1-24192013-C-G.
Other names: c.492G>C (NM_000147.4); short protein forms L164F.
Identifiers: ClinVar variation 1046866 (VCV001046866.7), dbSNP rs754110650, ClinGen allele CA686532.